The following is an entry in ClinVar:

NM_001605.3(AARS1):c.648C>G (p.Asn216Lys)

Gene: AARS1 (alanyl-tRNA synthetase 1; minus strand). Cytogenetic location: 16q22.1.
Variant type: single nucleotide variant.
Coding change: c.648C>G on transcript NM_001605.3 (MANE Select); coding-DNA position 648, C replaced by G.
Protein change: p.Asn216Lys; replaces asparagine 216 with lysine.
Molecular consequence: missense variant.
Genome position (GRCh38, 1-based): chr16:70,271,804, G>C on the plus strand (C>G on the coding strand, the complement: AARS1 is on the minus strand). VCF-style: chr16-70271804-G-C. GRCh37 (hg19) VCF-style: chr16-70305707-G-C.
Other names: short protein forms N216K.
Identifiers: ClinVar variation 1682293 (VCV001682293.8), dbSNP rs753186792, ClinGen allele CA396566473.

ClinVar aggregate classification (germline): Uncertain significance (1 of 4 stars; one submission).

Conditions:
Charcot-Marie-Tooth disease type 2. Also called: Charcot-Marie-Tooth type 2. Identifiers: Orphanet 64746, MedGen C0270914, MONDO:0018993.

gnomAD v4.1: 1 of 1,613,854 alleles (0.000062%); highest among the groups gnomAD compares: Non-Finnish European, 0.000085%; no homozygotes.

Submission:

Labcorp Genetics (formerly Invitae), Labcorp
Classification: Uncertain significance for Charcot-Marie-Tooth disease type 2. Last evaluated: 2022-07-05. Review status: criteria provided, single submitter. Criteria: Invitae Variant Classification Sherloc (09022015). Collection method: clinical testing. Allele origin: germline.
Comment: This variant is not present in population databases (gnomAD no frequency). This variant has not been reported in the literature in individuals affected with AARS-related conditions. ClinVar contains an entry for this variant (Variation ID: 1682293). Algorithms developed to predict the effect of missense changes on protein structure and function are either unavailable or do not agree on the potential impact of this missense change (SIFT: "Deleterious"; PolyPhen-2: "Probably Damaging"; Align-GVGD: "Class C0"). In summary, the available evidence is currently insufficient to determine the role of this variant in disease. Therefore, it has been classified as a Variant of Uncertain Significance. This sequence change replaces asparagine, which is neutral and polar, with lysine, which is basic and polar, at codon 216 of the AARS protein (p.Asn216Lys).